The following is an entry in ClinVar:

NM_144997.7(FLCN):c.1376C>T (p.Ser459Phe)

Gene: FLCN (folliculin; minus strand). Cytogenetic location: 17p11.2.
Variant type: single nucleotide variant.
Coding change: c.1376C>T on transcript NM_144997.7 (MANE Select); coding-DNA position 1376, C replaced by T.
Protein change: p.Ser459Phe; replaces serine 459 with phenylalanine.
Molecular consequence: missense variant.
Genome position (GRCh38, 1-based): chr17:17,215,241, G>A on the plus strand (C>T on the coding strand, the complement: FLCN is on the minus strand). VCF-style: chr17-17215241-G-A. GRCh37 (hg19) VCF-style: chr17-17118555-G-A.
Other names: c.1376C>T (LRG_325t1); c.1430C>T, p.Ser477Phe (NM_001353229.2); c.1376C>T, p.Ser459Phe (NM_001353230.2, NM_001353231.2); short protein forms S459F, S477F.
Identifiers: ClinVar variation 460592 (VCV000460592.17), dbSNP rs377468280, ClinGen allele CA8416014.

ClinVar aggregate classification (germline): Conflicting classifications of pathogenicity. Review status: criteria provided, conflicting classifications (1 of 4 stars). 5 submissions from 5 submitters: Uncertain significance (4); Likely benign (1). Last evaluated 2026-01-18.

Conditions:
Birt-Hogg-Dube syndrome 1 (BHD1). Also called: FIBROFOLLICULOMAS WITH TRICHODISCOMAS AND ACROCHORDONS. Identifiers: Orphanet 122, MedGen CN375946, MONDO:0800445, OMIM 135150.
FLCN-related disorder. Also called: FLCN-related condition.
Hereditary cancer-predisposing syndrome. Also called: Tumor predisposition; Hereditary neoplastic syndrome; Neoplastic Syndromes, Hereditary; Hereditary Cancer Syndrome. Identifiers: Orphanet 140162, MedGen C0027672, MeSH D009386, MONDO:0015356.
Birt-Hogg-Dube syndrome. Also called: Birt Hogg Dubé syndrome. Identifiers: Orphanet 122, MedGen C0346010, MONDO:0800444.

Allele frequency attached by ClinVar (database versions not stated): ExAC 0.00001; TOPMed 0.00002; gnomAD 0.00003; gnomAD exomes 0.00003; ESP Exome Variant Server 0.00008.
gnomAD v4.1: 47 of 1,614,100 alleles (0.0029%); highest among the groups gnomAD compares: Non-Finnish European, 0.0035%; no homozygotes.

Submissions (5):

Labcorp Genetics (formerly Invitae), Labcorp
Classification: Uncertain significance for Birt-Hogg-Dube syndrome. Last evaluated: 2026-01-18. Review status: criteria provided, single submitter. Criteria: Invitae Variant Classification Sherloc (09022015). Collection method: clinical testing. Allele origin: germline.
Comment: This sequence change replaces serine, which is neutral and polar, with phenylalanine, which is neutral and non-polar, at codon 459 of the FLCN protein (p.Ser459Phe). This variant is present in population databases (rs377468280, gnomAD 0.0009%). This variant has not been reported in the literature in individuals affected with FLCN-related conditions. ClinVar contains an entry for this variant (Variation ID: 460592). Invitae Evidence Modeling of protein sequence and biophysical properties (such as structural, functional, and spatial information, amino acid conservation, physicochemical variation, residue mobility, and thermodynamic stability) indicates that this missense variant is not expected to disrupt FLCN protein function with a negative predictive value of 80%. In summary, the available evidence is currently insufficient to determine the role of this variant in disease. Therefore, it has been classified as a Variant of Uncertain Significance.

PreventionGenetics, part of Exact Sciences
Classification: Uncertain significance for FLCN-related condition. Last evaluated: 2025-04-04. Review status: criteria provided, single submitter. Criteria: ACMG Guidelines, 2015. Collection method: clinical testing. Allele origin: germline.
Comment: The FLCN c.1376C>T variant is predicted to result in the amino acid substitution p.Ser459Phe. To our knowledge, this variant has not been reported in the literature or in a large population database (gnomAD), indicating this variant is rare. This variant is interpreted as uncertain in ClinVar. At this time, the clinical significance of this variant is uncertain due to the absence of conclusive functional and genetic evidence.

Ambry Genetics
Classification: Likely benign for Hereditary cancer-predisposing syndrome. Last evaluated: 2025-03-26. Review status: criteria provided, single submitter. Criteria: Ambry Variant Classification Scheme 2023. Collection method: clinical testing. Allele origin: germline.

GeneDx
Classification: Uncertain significance. Last evaluated: 2024-04-25. Review status: criteria provided, single submitter. Criteria: GeneDx Variant Classification Process June 2021. Collection method: clinical testing. Allele origin: germline. Affected: yes.
Comment: Not observed at significant frequency in large population cohorts (gnomAD); In silico analysis indicates that this missense variant does not alter protein structure/function; Has not been previously published as pathogenic or benign to our knowledge; This variant is associated with the following publications: (PMID: 17028174)

Baylor Genetics
Classification: Uncertain significance for Birt-Hogg-Dube syndrome 1. Last evaluated: 2024-01-03. Review status: criteria provided, single submitter. Criteria: ACMG Guidelines, 2015. Collection method: clinical testing. Allele origin: unknown.